The following is an entry in ClinVar:

ClinVar aggregate classification (germline): Conflicting classifications of pathogenicity. Review status: criteria provided, conflicting classifications (1 of 4 stars). 2 submissions from 2 submitters: Uncertain significance (1); Likely benign (1). Last evaluated 2025-08-29.

Conditions:
Inborn genetic diseases. Identifiers: MedGen C0950123, MeSH D030342.
Familial focal epilepsy with variable foci (FPEVF). Identifiers: Orphanet 98820, MedGen C1858477, MONDO:0020310.

Allele frequency attached by ClinVar (database versions not stated): TOPMed 0.00001.
gnomAD v4.1: 3 of 1,614,042 alleles (0.00019%); highest among the groups gnomAD compares: East Asian, 0.0022%; no homozygotes.

Submissions (2):

Labcorp Genetics (formerly Invitae), Labcorp
Classification: Uncertain significance for Familial focal epilepsy with variable foci. Last evaluated: 2025-08-29. Review status: criteria provided, single submitter. Criteria: Invitae Variant Classification Sherloc (09022015). Collection method: clinical testing. Allele origin: germline.
Comment: This sequence change replaces threonine, which is neutral and polar, with methionine, which is neutral and non-polar, at codon 1589 of the DEPDC5 protein (p.Thr1589Met). This variant is not present in population databases (gnomAD no frequency). This variant has not been reported in the literature in individuals affected with DEPDC5-related conditions. ClinVar contains an entry for this variant (Variation ID: 1981169). An algorithm developed to predict the effect of missense changes on protein structure and function outputs the following: PolyPhen-2: "Not Available". The methionine amino acid residue is found in multiple mammalian species, which suggests that this missense change does not adversely affect protein function. In summary, the available evidence is currently insufficient to determine the role of this variant in disease. Therefore, it has been classified as a Variant of Uncertain Significance.

Ambry Genetics
Classification: Likely benign for Inborn genetic diseases. Last evaluated: 2025-03-26. Review status: criteria provided, single submitter. Criteria: Ambry Variant Classification Scheme 2023. Collection method: clinical testing. Allele origin: germline.

NM_001242896.3(DEPDC5):c.4766C>T (p.Thr1589Met)

Gene: DEPDC5 (DEP domain containing 5, GATOR1 subcomplex subunit; plus strand). Cytogenetic location: 22q12.3.
Variant type: single nucleotide variant.
Coding change: c.4766C>T on transcript NM_001242896.3 (MANE Select); coding-DNA position 4766, C replaced by T.
Protein change: p.Thr1589Met; replaces threonine 1589 with methionine.
Molecular consequence: missense variant. On other transcripts: non-coding transcript variant (5).
Genome position (GRCh38, 1-based): chr22:31,906,451, C>T. VCF-style: chr22-31906451-C-T. GRCh37 (hg19) VCF-style: chr22-32302437-C-T.
Other names: c.4739C>T, p.Thr1580Met (NM_001136029.4); c.4466C>T, p.Thr1489Met (NM_001242897.2); c.4700C>T, p.Thr1567Met (NM_001363852.2, NM_001364320.2); c.4532C>T, p.Thr1511Met (NM_001363854.2, NM_001364319.2); c.4766C>T, p.Thr1589Met (NM_001364318.2); c.4682C>T, p.Thr1561Met (NM_001369901.1, NM_001369902.1); c.4673C>T, p.Thr1558Met (NM_001369903.1, NM_014662.6); c.4766C>T (NM_001242896.1); short protein forms T1567M, T1489M, T1589M, T1511M, T1558M, T1561M, T1580M.
Identifiers: ClinVar variation 1981169 (VCV001981169.5), dbSNP rs1477922253, ClinGen allele CA411293240.